The following is an entry in ClinVar:

NM_000091.5(COL4A3):c.688G>A (p.Gly230Ser)

Genes: MFF-DT (MFF divergent transcript; minus strand), COL4A3 (collagen type IV alpha 3 chain; plus strand). Cytogenetic location: 2q36.3.
Variant type: single nucleotide variant.
Coding change: c.688G>A on transcript NM_000091.5 (MANE Select); coding-DNA position 688, G replaced by A.
Protein change: p.Gly230Ser; replaces glycine 230 with serine.
Molecular consequence: missense variant.
Genome position (GRCh38, 1-based): chr2:227,253,561, G>A. VCF-style: chr2-227253561-G-A. GRCh37 (hg19) VCF-style: chr2-228118277-G-A.
Other names: short protein forms G230S.
Identifiers: ClinVar variation 1203930 (VCV001203930.7), dbSNP rs2125932297, ClinGen allele CA350864874.

ClinVar aggregate classification (germline): Likely pathogenic. Review status: criteria provided, multiple submitters, no conflicts (2 of 4 stars). 5 submissions from 5 submitters: Likely pathogenic (5). Last evaluated 2025-09-14.

Conditions:
Alport syndrome. Also called: Hemorrhagic familial nephritis; Hemorrhagic hereditary nephritis; Congenital hereditary hematuria. Identifiers: Orphanet 63, MedGen C1567741, MONDO:0018965.
Autosomal dominant Alport syndrome (ATS3A). Also called: Alport syndrome dominant type; Renal failure and sensorineural hearing loss; ALPORT SYNDROME 3A, AUTOSOMAL DOMINANT. Identifiers: Orphanet 63, Orphanet 88918, MedGen C5882663, MONDO:0007086, OMIM 104200.
Autosomal recessive Alport syndrome (ATS2). Also called: COL4A4 Alport Syndrome and Thin Basement Membrane Nephropathy; ALPORT SYNDROME 2, AUTOSOMAL RECESSIVE; Alport syndrome type 2; COL4A3-Related Nephropathy. Identifiers: Orphanet 63, Orphanet 88919, MedGen C4746745, MONDO:0008762, OMIM 203780.
Benign familial hematuria. Also called: thin basement membrane disease. Identifiers: MedGen C0241908, MONDO:0957317.

Submissions (5):

Natera, Inc.
Classification: Likely pathogenic for Alport syndrome. Last evaluated: 2025-09-14. Review status: criteria provided, single submitter. Criteria: Natera Variant Classification Schema (03/2026). Collection method: clinical testing. Allele origin: germline.
Comment: The c.688G>A variant in COL4A3 is a missense variant predicted to cause substitution of glycine to serine at amino acid 230. This variant is rare in the general population with a frequency below the threshold expected for the associated phenotype(s). This variant is located in a functionally critical region of the protein. Computational prediction algorithms indicate this variant is likely to affect gene or protein function. Given the available evidence, this variant is classified as Likely Pathogenic.

Myriad Genetics, Inc.
Classification: Likely pathogenic for Alport syndrome. Last evaluated: 2025-01-22. Review status: criteria provided, single submitter. Criteria: Myriad Autosomal Dominant, Autosomal Recessive and X-Linked Classification Criteria (2023). Collection method: clinical testing. Allele origin: unknown.
Comment: NM_000091.4(COL4A3):c.688G>A(G230S) is a missense variant classified as likely pathogenic in the context of Alport syndrome, COL4A3-related. G230S has been observed in cases with relevant disease (PMID: 36100708, 38214412). Relevant functional assessments of this variant are not available in the literature. G230S has not been observed in referenced population frequency databases. In summary, NM_000091.4(COL4A3):c.688G>A(G230S) is a missense variant that has been observed more frequently in cases with the relevant disease than in healthy populations. Please note: this variant was assessed in the context of healthy population screening.

ARUP Laboratories, Molecular Genetics and Genomics, ARUP Laboratories
Classification: Likely pathogenic. Last evaluated: 2023-10-17. Review status: criteria provided, single submitter. Criteria: ARUP Molecular Germline Variant Investigation Process 2024. Collection method: clinical testing. Allele origin: germline.
Comment: The COL4A3 c.688G>A; p.Gly230Ser variant is reported in the literature in an individual affected with chronic kidney disease (Popp 2022). This variant is reported in ClinVar (Variation ID: 1203930), and is absent from the Genome Aggregation Database, indicating it is not a common polymorphism. Additionally, another variant at this codon (c.689G>A, p.Gly230Asp) has been reported in individuals with Alport syndrome or glomerulopathy (Oka 2014, Pinto E Vairo 2021). Computational analyses predict that the p.Gly230Ser variant is deleterious (REVEL: 0.828). Additionally, this glycine occurs in a Gly-X-Y repeat region in a collagen triple helix region, a critical functional domain (Savige 2021). Based on available information, this variant is considered to be likely pathogenic. References: Oka M et al. Natural history of genetically proven autosomal recessive Alport syndrome. Pediatr Nephrol. 2014 Sep;29(9):1535-44. PMID: 24633401. Pinto E Vairo F et al. Genomics Integration Into Nephrology Practice. Kidney Med. 2021 Jun 29;3(5):785-798. PMID: 34746741. Popp B et al. Prevalence of hereditary tubulointerstitial kidney diseases in the German Chronic Kidney Disease study. Eur J Hum Genet. 2022 Dec;30(12):1413-1422. PMID: 36100708. Savige J et al. Consensus statement on standards and guidelines for the molecular diagnostics of Alport syndrome: refining the ACMG criteria. Eur J Hum Genet. 2021 Aug;29(8):1186-1197. PMID: 33854215.

Fulgent Genetics
Classification: Likely pathogenic for Autosomal dominant Alport syndrome; Hematuria, benign familial, 1; Autosomal recessive Alport syndrome. Last evaluated: 2022-04-14. Review status: criteria provided, single submitter. Criteria: ACMG Guidelines, 2015. Collection method: clinical testing. Allele origin: unknown.

GeneDx
Classification: Likely pathogenic. Last evaluated: 2020-03-12. Review status: criteria provided, single submitter. Criteria: GeneDx Variant Classification Process June 2021. Collection method: clinical testing. Allele origin: germline. Affected: yes.
Comment: Affects a glycine residue in a Gly-X-Y motif in the triple helical region of the COL4A3 gene, where the majority of pathogenic missense variants occur; Not observed in large population cohorts (Lek et al., 2016); In silico analysis, which includes protein predictors and evolutionary conservation, supports a deleterious effect; Has not been previously published as pathogenic or benign to our knowledge; This variant is associated with the following publications: (PMID: 30968591)

Literature cited by the submitters: PubMed 36100708 (cited by Myriad Genetics, Inc.); PubMed 38214412 (cited by Myriad Genetics, Inc.).